The following is an entry in ClinVar:

NM_001005242.3(PKP2):c.1139del (p.Glu380fs)

Gene: PKP2 (plakophilin 2; minus strand). Cytogenetic location: 12p11.21.
Variant type: Deletion.
Coding change: c.1139del on transcript NM_001005242.3 (MANE Select); coding-DNA position 1139, one base deleted (A; older notation c.1139delA).
Protein change: p.Glu380fs; shifts the reading frame from glutamic acid 380.
Molecular consequence: frameshift variant.
Genome position (GRCh38, 1-based): chr12:32,868,958, T deleted on the plus strand (A on the coding strand, the reverse complement: PKP2 is on the minus strand). VCF-style (leftmost placement, unchanged base first): chr12-32868957-CT-C. GRCh37 (hg19) VCF-style: chr12-33021891-CT-C.
Other names: c.1139delA (NM_004572.3); c.1139del, p.Glu380fs (NM_004572.4); short protein forms E380fs.
Identifiers: ClinVar variation 817482 (VCV000817482.1), dbSNP rs1592758957, ClinGen allele CA915947922.

ClinVar aggregate classification (germline): Likely pathogenic (1 of 4 stars; one submission).

Submission:

GeneDx
Classification: Likely pathogenic. Last evaluated: 2019-02-27. Review status: criteria provided, single submitter. Criteria: GeneDx Variant Classification (06012015). Collection method: clinical testing. Allele origin: germline. Affected: yes.
Comment: Although the c.1139delA likely pathogenic variant in the PKP2 gene has not been reported to our knowledge, this variant causes a shift in reading frame starting at codon glutamic acid 380, changing it to a glycine, and creating a premature stop codon at position 25 of the new reading frame, denoted p.Glu380GlyfsX25. This likely pathogenic variant is expected to result in either an abnormal, truncated protein product or loss of protein from this allele through nonsense-mediated mRNA decay. Other frameshift variants in the PKP2 gene have been reported in Human Gene Mutation Database in association with ARVC (Stenson et al., 2014), indicating that loss of function is a mechanism of disease for this gene. Furthermore, the c.1139delA variant has not been observed in large population cohorts (Lek et al., 2016).